The following is an entry in ClinVar:

ClinVar aggregate classification (germline): Uncertain significance (1 of 4 stars; one submission).

Allele frequency attached by ClinVar (database versions not stated): gnomAD exomes below 0.00001.
gnomAD v4.1: 1 of 1,610,340 alleles (0.000062%); highest among the groups gnomAD compares: East Asian, 0.0022%; no homozygotes.

Submission:

Labcorp Genetics (formerly Invitae), Labcorp
Classification: Uncertain significance. Last evaluated: 2020-12-23. Review status: criteria provided, single submitter. Criteria: Invitae Variant Classification Sherloc (09022015). Collection method: clinical testing. Allele origin: germline.
Comment: In summary, the available evidence is currently insufficient to determine the role of this variant in disease. Therefore, it has been classified as a Variant of Uncertain Significance. Algorithms developed to predict the effect of missense changes on protein structure and function (SIFT, PolyPhen-2, Align-GVGD) all suggest that this variant is likely to be tolerated, but these predictions have not been confirmed by published functional studies and their clinical significance is uncertain. This variant has not been reported in the literature in individuals with CFB-related conditions. This variant is not present in population databases (ExAC no frequency). This sequence change replaces arginine with threonine at codon 94 of the CFB protein (p.Arg94Thr). The arginine residue is weakly conserved and there is a moderate physicochemical difference between arginine and threonine.

NM_001710.6(CFB):c.281G>C (p.Arg94Thr)

Gene: CFB (complement factor B; plus strand). Cytogenetic location: 6p21.33.
Variant type: single nucleotide variant.
Coding change: c.281G>C on transcript NM_001710.6 (MANE Select); coding-DNA position 281, G replaced by C.
Protein change: p.Arg94Thr; replaces arginine 94 with threonine.
Molecular consequence: missense variant.
Genome position (GRCh38, 1-based): chr6:31,946,589, G>C. VCF-style: chr6-31946589-G-C. GRCh37 (hg19) VCF-style: chr6-31914366-G-C.
Other names: short protein forms R94T.
Identifiers: ClinVar variation 1465761 (VCV001465761.8), dbSNP rs1388855504, ClinGen allele CA363389792.